The following is an entry in ClinVar:

ClinVar aggregate classification (germline): Uncertain significance. Review status: criteria provided, multiple submitters, no conflicts (2 of 4 stars). 3 submissions from 3 submitters: Uncertain significance (3). Last evaluated 2025-04-22.

Conditions:
Inborn genetic diseases. Identifiers: MedGen C0950123, MeSH D030342.
Cerebral cavernous malformation (CCM). Also called: CAVERNOUS ANGIOMA, FAMILIAL; CAVERNOUS ANGIOMATOUS MALFORMATIONS; CEREBRAL CAPILLARY MALFORMATIONS; Cerebral cavernous hemangioma (type); Cavernous Hemangioma of Brain; Cerebral cavernous malformations. Identifiers: Orphanet 221061, MedGen C2919945, MONDO:0000820, OMIM 116860, HP:0033522.

Allele frequency attached by ClinVar (database versions not stated): gnomAD exomes 0.00002 and 0.00003; TOPMed 0.00002; ExAC 0.00003; gnomAD 0.00003 and 0.00004; ESP Exome Variant Server 0.00015.
gnomAD v4.1: 56 of 1,613,554 alleles (0.0035%); highest among the groups gnomAD compares: Non-Finnish European, 0.0044%; no homozygotes.

Submissions (3):

Mayo Clinic Laboratories, Mayo Clinic
Classification: Uncertain significance. Last evaluated: 2025-04-22. Review status: criteria provided, single submitter. Criteria: ACMG Guidelines, 2015. Collection method: clinical testing. Allele origin: germline. Observed: 1 variant allele.
Comment: BP4

Ambry Genetics
Classification: Uncertain significance for Inborn genetic diseases. Last evaluated: 2025-02-01. Review status: criteria provided, single submitter. Criteria: Ambry Variant Classification Scheme 2023. Collection method: clinical testing. Allele origin: germline.
Comment: The p.V518A variant (also known as c.1553T>C), located in coding exon 11 of the KRIT1 gene, results from a T to C substitution at nucleotide position 1553. The valine at codon 518 is replaced by alanine, an amino acid with similar properties. This amino acid position is conserved. In addition, the in silico prediction for this alteration is inconclusive. Based on the available evidence, the clinical significance of this variant remains unclear.

Labcorp Genetics (formerly Invitae), Labcorp
Classification: Uncertain significance for Cerebral cavernous malformation. Last evaluated: 2022-07-05. Review status: criteria provided, single submitter. Criteria: Invitae Variant Classification Sherloc (09022015). Collection method: clinical testing. Allele origin: germline.
Comment: This sequence change replaces valine, which is neutral and non-polar, with alanine, which is neutral and non-polar, at codon 518 of the KRIT1 protein (p.Val518Ala). In summary, the available evidence is currently insufficient to determine the role of this variant in disease. Therefore, it has been classified as a Variant of Uncertain Significance. Algorithms developed to predict the effect of missense changes on protein structure and function are either unavailable or do not agree on the potential impact of this missense change (SIFT: "Deleterious"; PolyPhen-2: "Benign"; Align-GVGD: "Class C0"). ClinVar contains an entry for this variant (Variation ID: 1518169). This variant has not been reported in the literature in individuals affected with KRIT1-related conditions. This variant is present in population databases (rs142071709, gnomAD 0.005%).

NM_194454.3(KRIT1):c.1553T>C (p.Val518Ala)

Gene: KRIT1 (KRIT1 ankyrin repeat containing; minus strand). Cytogenetic location: 7q21.2.
Variant type: single nucleotide variant.
Coding change: c.1553T>C on transcript NM_194454.3 (MANE Select); coding-DNA position 1553, T replaced by C.
Protein change: p.Val518Ala; replaces valine 518 with alanine.
Molecular consequence: missense variant.
Genome position (GRCh38, 1-based): chr7:92,221,912, A>G on the plus strand (T>C on the coding strand, the complement: KRIT1 is on the minus strand). VCF-style: chr7-92221912-A-G. GRCh37 (hg19) VCF-style: chr7-91851226-A-G.
Other names: p.Val518Ala; c.1409T>C, p.Val470Ala (NM_001013406.2, NM_001350669.1, NM_001350670.1); c.839T>C, p.Val280Ala (NM_001350671.1); c.1553T>C, p.Val518Ala (NM_001350672.1, NM_001350673.1, NM_001350674.1 and 26 more transcripts); short protein forms V518A, V280A, V470A.
Identifiers: ClinVar variation 1518169 (VCV001518169.9), dbSNP rs142071709, ClinGen allele CA4339090.